The following is an entry in ClinVar:

ClinVar aggregate classification (germline): Uncertain significance. Review status: criteria provided, multiple submitters, no conflicts (2 of 4 stars). 2 submissions from 2 submitters: Uncertain significance (2). Last evaluated 2023-07-20.

Conditions:
Charcot-Marie-Tooth disease type 4. Also called: Charcot-Marie-Tooth, Type 4; Charcot-Marie-Tooth disease, type IV. Identifiers: Orphanet 64749, MedGen C4082197, MONDO:0018995.
Inborn genetic diseases. Identifiers: MedGen C0950123, MeSH D030342.

Allele frequency attached by ClinVar (database versions not stated): gnomAD exomes below 0.00001 and 0.00005.
gnomAD v4.1: 67 of 1,613,020 alleles (0.0042%); highest among the groups gnomAD compares: Non-Finnish European, 0.0054%; no homozygotes.

Submissions (2):

Ambry Genetics
Classification: Uncertain significance for Inborn genetic diseases. Last evaluated: 2023-07-20. Review status: criteria provided, single submitter. Criteria: Ambry Variant Classification Scheme 2023. Collection method: clinical testing. Allele origin: germline.

Labcorp Genetics (formerly Invitae), Labcorp
Classification: Uncertain significance for Charcot-Marie-Tooth disease type 4. Last evaluated: 2021-02-16. Review status: criteria provided, single submitter. Criteria: Invitae Variant Classification Sherloc (09022015). Collection method: clinical testing. Allele origin: germline.
Comment: Advanced modeling of protein sequence and biophysical properties (such as structural, functional, and spatial information, amino acid conservation, physicochemical variation, residue mobility, and thermodynamic stability) performed at Invitae indicates that this missense variant is not expected to disrupt MTMR2 protein function. This sequence change replaces glutamic acid with glycine at codon 574 of the MTMR2 protein (p.Glu574Gly). The glutamic acid residue is moderately conserved and there is a moderate physicochemical difference between glutamic acid and glycine. This variant is not present in population databases (ExAC no frequency). This variant has not been reported in the literature in individuals with MTMR2-related conditions. In summary, the available evidence is currently insufficient to determine the role of this variant in disease. Therefore, it has been classified as a Variant of Uncertain Significance.

NM_016156.6(MTMR2):c.1721A>G (p.Glu574Gly)

Gene: MTMR2 (myotubularin related protein 2; minus strand). Cytogenetic location: 11q21.
Variant type: single nucleotide variant.
Coding change: c.1721A>G on transcript NM_016156.6 (MANE Select); coding-DNA position 1721, A replaced by G.
Protein change: p.Glu574Gly; replaces glutamic acid 574 with glycine.
Molecular consequence: missense variant.
Genome position (GRCh38, 1-based): chr11:95,836,197, T>C on the plus strand (A>G on the coding strand, the complement: MTMR2 is on the minus strand). VCF-style: chr11-95836197-T-C. GRCh37 (hg19) VCF-style: chr11-95569361-T-C.
Other names: c.1721A>G (NM_016156.5); c.1505A>G, p.Glu502Gly (NM_001243571.2, NM_201278.3, NM_201281.3); short protein forms E502G, E574G.
Identifiers: ClinVar variation 1481125 (VCV001481125.9), dbSNP rs771548803, ClinGen allele CA226591632.